The following is an entry in ClinVar:

NM_014989.7(RIMS1):c.4097C>T (p.Ser1366Leu)

Gene: RIMS1 (regulating synaptic membrane exocytosis 1; plus strand). Cytogenetic location: 6q13.
Variant type: single nucleotide variant.
Coding change: c.4097C>T on transcript NM_014989.7 (MANE Select); coding-DNA position 4097, C replaced by T.
Protein change: p.Ser1366Leu; replaces serine 1366 with leucine.
Molecular consequence: missense variant. On other transcripts: intron variant (24).
Genome position (GRCh38, 1-based): chr6:72,313,639, C>T. VCF-style: chr6-72313639-C-T. GRCh37 (hg19) VCF-style: chr6-73023342-C-T.
Other names: c.2057C>T, p.Ser686Leu (NM_001168407.2); c.2018C>T, p.Ser673Leu (NM_001350414.2); c.2141C>T, p.Ser714Leu (NM_001350415.2); c.2090C>T, p.Ser697Leu (NM_001350416.2); c.2063C>T, p.Ser688Leu (NM_001350418.2); c.2171C>T, p.Ser724Leu (NM_001350420.2); c.1916C>T, p.Ser639Leu (NM_001350421.2); c.1832C>T, p.Ser611Leu (NM_001350423.2, NM_001350444.2); and 51 more; short protein forms S530L, S611L, S633L, S635L, S714L, S715L, S750L, S1366L.
Identifiers: ClinVar variation 1368950 (VCV001368950.8), dbSNP rs2154296125, ClinGen allele CA364691185.

ClinVar aggregate classification (germline): Uncertain significance (1 of 4 stars; one submission).

Submission:

Labcorp Genetics (formerly Invitae), Labcorp
Classification: Uncertain significance. Last evaluated: 2021-07-01. Review status: criteria provided, single submitter. Criteria: Invitae Variant Classification Sherloc (09022015). Collection method: clinical testing. Allele origin: germline.
Comment: In summary, the available evidence is currently insufficient to determine the role of this variant in disease. Therefore, it has been classified as a Variant of Uncertain Significance. Algorithms developed to predict the effect of missense changes on protein structure and function (SIFT, PolyPhen-2, Align-GVGD) all suggest that this variant is likely to be disruptive. This variant has not been reported in the literature in individuals affected with RIMS1-related conditions. This variant is not present in population databases (ExAC no frequency). This sequence change replaces serine with leucine at codon 1366 of the RIMS1 protein (p.Ser1366Leu). The serine residue is highly conserved and there is a large physicochemical difference between serine and leucine.